The following is an entry in ClinVar:

NM_001243133.2(NLRP3):c.2405A>G (p.Asp802Gly)

Gene: NLRP3 (NLR family pyrin domain containing 3; plus strand). Cytogenetic location: 1q44.
Variant type: single nucleotide variant.
Coding change: c.2405A>G on transcript NM_001243133.2 (MANE Select); coding-DNA position 2405, A replaced by G.
Protein change: p.Asp802Gly; replaces aspartic acid 802 with glycine.
Molecular consequence: missense variant.
Genome position (GRCh38, 1-based): chr1:247,434,186, A>G. VCF-style: chr1-247434186-A-G. GRCh37 (hg19) VCF-style: chr1-247597488-A-G.
Other names: c.2405A>G, p.Asp802Gly (NM_001079821.3, NM_001127461.3); c.2234A>G, p.Asp745Gly (NM_001127462.3, NM_183395.3); c.2411A>G, p.Asp804Gly (NM_004895.5); short protein forms D804G, D745G, D802G.
Identifiers: ClinVar variation 2828838 (VCV002828838.3), dbSNP rs2527367610, ClinGen allele CA345561138.

ClinVar aggregate classification (germline): Uncertain significance (1 of 4 stars; one submission).

Conditions:
Cryopyrin associated periodic syndrome (CAPS). Identifiers: Orphanet 208650, MedGen C2316212, MONDO:0016168.

Submission:

Labcorp Genetics (formerly Invitae), Labcorp
Classification: Uncertain significance for Cryopyrin associated periodic syndrome. Last evaluated: 2023-01-15. Review status: criteria provided, single submitter. Criteria: Invitae Variant Classification Sherloc (09022015). Collection method: clinical testing. Allele origin: germline.
Comment: This variant is not present in population databases (gnomAD no frequency). This sequence change replaces aspartic acid, which is acidic and polar, with glycine, which is neutral and non-polar, at codon 804 of the NLRP3 protein (p.Asp804Gly). In summary, the available evidence is currently insufficient to determine the role of this variant in disease. Therefore, it has been classified as a Variant of Uncertain Significance. Advanced modeling of protein sequence and biophysical properties (such as structural, functional, and spatial information, amino acid conservation, physicochemical variation, residue mobility, and thermodynamic stability) has been performed at Invitae for this missense variant, however the output from this modeling did not meet the statistical confidence thresholds required to predict the impact of this variant on NLRP3 protein function. This variant has not been reported in the literature in individuals affected with NLRP3-related conditions.